The following is an entry in ClinVar:

ClinVar aggregate classification (germline): Likely benign. Review status: criteria provided, multiple submitters, no conflicts (2 of 4 stars). 4 submissions from 4 submitters: Likely benign (4). Last evaluated 2025-09-08.

Conditions:
Cardiovascular phenotype. Identifiers: MedGen CN230736.

Allele frequency attached by ClinVar (database versions not stated): gnomAD exomes 0.00001 and 0.00002; TOPMed below 0.00001; ExAC 0.00003.

Submissions (4):

Women's Health and Genetics/Laboratory Corporation of America, LabCorp
Classification: Likely benign. Last evaluated: 2025-09-08. Review status: criteria provided, single submitter. Criteria: LabCorp Variant Classification Summary - May 2015. Collection method: clinical testing. Allele origin: germline.

Mayo Clinic Laboratories, Mayo Clinic
Classification: Likely benign. Last evaluated: 2025-06-17. Review status: criteria provided, single submitter. Criteria: ACMG Guidelines, 2015. Collection method: clinical testing. Allele origin: germline. Observed: 1 variant allele.
Comment: BP4, BP7

Ambry Genetics
Classification: Likely benign for Cardiovascular phenotype. Last evaluated: 2023-11-01. Review status: criteria provided, single submitter. Criteria: Ambry Variant Classification Scheme 2023. Collection method: clinical testing. Allele origin: germline.

GeneDx
Classification: Likely benign. Last evaluated: 2020-08-10. Review status: criteria provided, single submitter. Criteria: GeneDx Variant Classification Process June 2021. Collection method: clinical testing. Allele origin: germline. Affected: yes.

NM_001365276.2(TNXB):c.3168T>C (p.Pro1056=)

Gene: TNXB (tenascin XB; minus strand). Cytogenetic location: 6p21.33.
Variant type: single nucleotide variant.
Coding change: c.3168T>C on transcript NM_001365276.2 (MANE Select); coding-DNA position 3168, T replaced by C.
Protein change: p.Pro1056=; no amino-acid change (proline 1056 retained).
Molecular consequence: synonymous variant.
Genome position (GRCh38, 1-based): chr6:32,084,690, A>G on the plus strand (T>C on the coding strand, the complement: TNXB is on the minus strand). VCF-style: chr6-32084690-A-G. GRCh37 (hg19) VCF-style: chr6-32052467-A-G.
Other names: p.Pro1056=; c.3168T>C, p.Pro1056= (NM_019105.8).
Identifiers: ClinVar variation 1223391 (VCV001223391.6), dbSNP rs746675810, ClinGen allele CA3735230.